The following is an entry in ClinVar:

ClinVar aggregate classification (germline): Likely benign (0 of 4 stars; one submission).

Conditions:
MORC2-related disorder. Also called: MORC2-related condition.

Submission:

PreventionGenetics, part of Exact Sciences
Classification: Likely benign for MORC2-related condition. Last evaluated: 2019-05-07. Review status: no assertion criteria provided. Collection method: clinical testing. Allele origin: germline.
Comment: This variant is classified as likely benign based on ACMG/AMP sequence variant interpretation guidelines (Richards et al. 2015 PMID: 25741868, with internal and published modifications).

NM_001303256.3(MORC2):c.226+9T>G

Gene: MORC2 (MORC family CW-type zinc finger 2; minus strand). Cytogenetic location: 22q12.2.
Variant type: single nucleotide variant.
Coding change: c.226+9T>G on transcript NM_001303256.3 (MANE Select); 9 bases into the intron after coding-DNA position 226, T replaced by G.
Molecular consequence: intron variant.
Genome position (GRCh38, 1-based): chr22:30,950,368, A>C on the plus strand (T>G on the coding strand, the complement: MORC2 is on the minus strand). VCF-style: chr22-30950368-A-C. GRCh37 (hg19) VCF-style: chr22-31346354-A-C.
Other names: c.226+9T>G (NM_001303257.2); c.40+9T>G (NM_014941.3).
Identifiers: ClinVar variation 3041758 (VCV003041758.2), dbSNP rs779864060, ClinGen allele CA1025024406.